The following is an entry in ClinVar:

NM_003630.3(PEX3):c.160C>T (p.Arg54Ter)

Gene: PEX3 (peroxisomal biogenesis factor 3; plus strand). Cytogenetic location: 6q24.2.
Variant type: single nucleotide variant.
Coding change: c.160C>T on transcript NM_003630.3 (MANE Select); coding-DNA position 160, C replaced by T.
Protein change: p.Arg54Ter; replaces arginine 54 with a stop codon.
Molecular consequence: nonsense.
Genome position (GRCh38, 1-based): chr6:143,459,171, C>T. VCF-style: chr6-143459171-C-T. GRCh37 (hg19) VCF-style: chr6-143780308-C-T.
Other names: short protein forms R54*.
Identifiers: ClinVar variation 1361900 (VCV001361900.6), dbSNP rs776831462, ClinGen allele CA4029469.

ClinVar aggregate classification (germline): Pathogenic (1 of 4 stars; one submission).

Allele frequency attached by ClinVar (database versions not stated): gnomAD exomes below 0.00001 and 0.00001; gnomAD 0.00001; ExAC 0.00002.
gnomAD v4.1: 8 of 1,611,772 alleles (0.0005%); highest among the groups gnomAD compares: East Asian, 0.0022%; no homozygotes.

Submission:

Labcorp Genetics (formerly Invitae), Labcorp
Classification: Pathogenic. Last evaluated: 2024-06-15. Review status: criteria provided, single submitter. Criteria: Invitae Variant Classification Sherloc (09022015). Collection method: clinical testing. Allele origin: germline.
Comment: This sequence change creates a premature translational stop signal (p.Arg54*) in the PEX3 gene. It is expected to result in an absent or disrupted protein product. Loss-of-function variants in PEX3 are known to be pathogenic (PMID: 10942428, 21031596). This variant is present in population databases (rs776831462, gnomAD 0.005%). This variant has not been reported in the literature in individuals affected with PEX3-related conditions. For these reasons, this variant has been classified as Pathogenic.

Literature cited by the submitters: PubMed 10942428; PubMed 21031596.